The following is an entry in ClinVar:

NM_016653.3(MAP3K20):c.693C>G (p.Cys231Trp)

Genes: MAP3K20 (mitogen-activated protein kinase kinase kinase 20; plus strand), MAP3K20-AS1 (MAP3K20 antisense RNA 1; minus strand). Cytogenetic location: 2q31.1.
Variant type: single nucleotide variant.
Coding change: c.693C>G on transcript NM_016653.3 (MANE Select); coding-DNA position 693, C replaced by G.
Protein change: p.Cys231Trp; replaces cysteine 231 with tryptophan.
Molecular consequence: missense variant.
Genome position (GRCh38, 1-based): chr2:173,203,819, C>G. VCF-style: chr2-173203819-C-G. GRCh37 (hg19) VCF-style: chr2-174068547-C-G.
Other names: c.693C>G, p.Cys231Trp (NM_133646.3); short protein forms C231W.
Identifiers: ClinVar variation 1508847 (VCV001508847.3), dbSNP rs185497574, ClinGen allele CA1970489.

ClinVar aggregate classification (germline): Uncertain significance (1 of 4 stars; one submission).

Allele frequency attached by ClinVar (database versions not stated): gnomAD exomes below 0.00001 and 0.00002; TOPMed 0.00001; ExAC 0.00002; gnomAD 0.00003; 1000 Genomes Project 0.00020; 1000 Genomes Project 30x 0.00031.
gnomAD v4.1: 11 of 1,613,744 alleles (0.00068%); highest among the groups gnomAD compares: Admixed American, 0.018%; no homozygotes.

Submission:

Labcorp Genetics (formerly Invitae), Labcorp
Classification: Uncertain significance. Last evaluated: 2022-08-09. Review status: criteria provided, single submitter. Criteria: Invitae Variant Classification Sherloc (09022015). Collection method: clinical testing. Allele origin: germline.
Comment: This sequence change replaces cysteine, which is neutral and slightly polar, with tryptophan, which is neutral and slightly polar, at codon 231 of the MAP3K20 protein (p.Cys231Trp). This variant is present in population databases (rs185497574, gnomAD 0.02%). This variant has not been reported in the literature in individuals affected with MAP3K20-related conditions. ClinVar contains an entry for this variant (Variation ID: 1508847). Experimental studies and prediction algorithms are not available or were not evaluated, and the effect of this variant on mRNA splicing is currently unknown. In summary, the available evidence is currently insufficient to determine the role of this variant in disease. Therefore, it has been classified as a Variant of Uncertain Significance.